The following is an entry in ClinVar:

ClinVar aggregate classification (germline): Uncertain significance. Review status: criteria provided, multiple submitters, no conflicts (2 of 4 stars). 3 submissions from 3 submitters: Uncertain significance (3). Last evaluated 2025-02-08.

Conditions:
Developmental delay, hypotonia, musculoskeletal defects, and behavioral abnormalities. Identifiers: MedGen C5562012, MONDO:0859202, OMIM 619595.
Floating-Harbor syndrome (FLHS). Also called: SRCAP-Related Floating-Harbor Syndrome; Short stature with delayed bone age, expressive language delay, a triangular face with a prominent nose and deep-set eyes; Pelletier-Leisti syndrome. Identifiers: Orphanet 2044, MedGen C0729582, MONDO:0007621, OMIM 136140.

Allele frequency attached by ClinVar (database versions not stated): ExAC 0.00001; gnomAD exomes below 0.00001.
gnomAD v4.1: 6 of 1,614,168 alleles (0.00037%); highest among the groups gnomAD compares: Admixed American, 0.0017%; no homozygotes.

Submissions (3):

Labcorp Genetics (formerly Invitae), Labcorp
Classification: Uncertain significance. Last evaluated: 2025-02-08. Review status: criteria provided, single submitter. Criteria: Invitae Variant Classification Sherloc (09022015). Collection method: clinical testing. Allele origin: germline.
Comment: This sequence change replaces serine, which is neutral and polar, with leucine, which is neutral and non-polar, at codon 2710 of the SRCAP protein (p.Ser2710Leu). This variant is present in population databases (rs766023031, gnomAD 0.003%). This variant has not been reported in the literature in individuals affected with SRCAP-related conditions. ClinVar contains an entry for this variant (Variation ID: 2436484). Invitae Evidence Modeling of protein sequence and biophysical properties (such as structural, functional, and spatial information, amino acid conservation, physicochemical variation, residue mobility, and thermodynamic stability) indicates that this missense variant is not expected to disrupt SRCAP protein function with a negative predictive value of 80%. In summary, the available evidence is currently insufficient to determine the role of this variant in disease. Therefore, it has been classified as a Variant of Uncertain Significance.

Fulgent Genetics
Classification: Uncertain significance for Floating-Harbor syndrome; Developmental delay, hypotonia, musculoskeletal defects, and behavioral abnormalities. Last evaluated: 2024-02-13. Review status: criteria provided, single submitter. Criteria: ACMG Guidelines, 2015. Collection method: clinical testing. Allele origin: germline.

Revvity Omics, Revvity
Classification: Uncertain significance. Last evaluated: 2021-11-10. Review status: criteria provided, single submitter. Criteria: ACMG Guidelines, 2015. Collection method: clinical testing. Allele origin: germline.

NM_006662.3(SRCAP):c.8129C>T (p.Ser2710Leu)

Gene: SRCAP (Snf2 related CREBBP activator protein; plus strand). Cytogenetic location: 16p11.2.
Variant type: single nucleotide variant.
Coding change: c.8129C>T on transcript NM_006662.3 (MANE Select); coding-DNA position 8129, C replaced by T.
Protein change: p.Ser2710Leu; replaces serine 2710 with leucine.
Molecular consequence: missense variant.
Genome position (GRCh38, 1-based): chr16:30,738,169, C>T. VCF-style: chr16-30738169-C-T. GRCh37 (hg19) VCF-style: chr16-30749490-C-T.
Other names: short protein forms S2710L.
Identifiers: ClinVar variation 2436484 (VCV002436484.6), dbSNP rs766023031, ClinGen allele CA8012622.